The following is an entry in ClinVar:

ClinVar aggregate classification (germline): Conflicting classifications of pathogenicity. Review status: criteria provided, conflicting classifications (1 of 4 stars). 6 submissions from 6 submitters: Uncertain significance (4); Benign (1). 1 of the submissions does not count toward it. Last evaluated 2025-12-30.

Conditions:
Neurofibromatosis, type 1 (NF1). Also called: VON RECKLINGHAUSEN DISEASE; NEUROFIBROMATOSIS, TYPE I, SOMATIC; Peripheral type neurofibromatosis; Neurofibromatosis, type I. Identifiers: Orphanet 636, MedGen C0027831, MONDO:0018975, OMIM 162200. Disease mechanism: loss of function.
Cardiovascular phenotype. Identifiers: MedGen CN230736.
Hereditary cancer-predisposing syndrome. Also called: Hereditary Cancer Syndrome; Hereditary neoplastic syndrome; Tumor predisposition; Neoplastic Syndromes, Hereditary. Identifiers: Orphanet 140162, MedGen C0027672, MeSH D009386, MONDO:0015356.

Allele frequency attached by ClinVar (database versions not stated): gnomAD 0.00001; TOPMed 0.00001.
gnomAD v4.1: 4 of 1,603,582 alleles (0.00025%); highest among the groups gnomAD compares: African/African-American, 0.0013%; no homozygotes.

Submissions (6):

Labcorp Genetics (formerly Invitae), Labcorp
Classification: Benign for Neurofibromatosis, type 1. Last evaluated: 2025-12-30. Review status: criteria provided, single submitter. Criteria: Invitae Variant Classification Sherloc (09022015). Collection method: clinical testing. Allele origin: germline.

St. Jude Molecular Pathology, St. Jude Children's Research Hospital
Classification: Uncertain significance for Neurofibromatosis, type 1. Last evaluated: 2025-01-28. Review status: criteria provided, single submitter. Criteria: St. Jude Assertion Criteria 2020. Collection method: clinical testing. Allele origin: germline.
Comment: The NF1 c.7072G>A (p.Gly2358Arg) missense change has a maximum subpopulation frequency of 0.013% in gnomAD v2.1.1. The in silico tool REVEL predicts a benign effect on protein function, but to our knowledge this prediction has not been confirmed by functional studies. To our knowledge, this variant has not been reported in individuals with NF1-associated Neurofibromatosis. In summary, the evidence currently available is insufficient to determine the clinical significance of this variant. It has therefore been classified as of uncertain significance.

GeneDx
Classification: Uncertain significance. Last evaluated: 2024-03-05. Review status: criteria provided, single submitter. Criteria: GeneDx Variant Classification Process June 2021. Collection method: clinical testing. Allele origin: germline. Affected: yes.
Comment: In silico analysis supports that this missense variant does not alter protein structure/function; Has not been previously published as pathogenic or benign to our knowledge; This variant is associated with the following publications: (PMID: 32579932, 31925297, 25486365)

Genome-Nilou Lab
Classification: Uncertain significance for Neurofibromatosis, type 1. Last evaluated: 2022-03-15. Review status: criteria provided, single submitter. Criteria: ACMG Guidelines, 2015. Collection method: clinical testing. Allele origin: germline. Affected: no.

Ambry Genetics
Classification: Uncertain significance for Cardiovascular phenotype; Hereditary cancer-predisposing syndrome. Last evaluated: 2020-11-13. Review status: criteria provided, single submitter. Criteria: Ambry Variant Classification Scheme 2023. Collection method: clinical testing. Allele origin: germline.

Clinical Molecular Genetics Laboratory, Johns Hopkins All Children's Hospital
Classification: Uncertain significance for Neurofibromatosis, type 1. Last evaluated: 2016-12-12. Review status: no assertion criteria provided. Collection method: clinical testing. Allele origin: germline. Affected: yes. Not counted in ClinVar's aggregate classification.

NM_001042492.3(NF1):c.7211C>T (p.Ala2404Val)

Gene: NF1 (neurofibromin 1; plus strand). Cytogenetic location: 17q11.2.
Variant type: single nucleotide variant.
Coding change: c.7211C>T on transcript NM_001042492.3 (MANE Select); coding-DNA position 7211, C replaced by T.
Protein change: p.Ala2404Val; replaces alanine 2404 with valine.
Molecular consequence: missense variant.
Genome position (GRCh38, 1-based): chr17:31,349,141, C>T. VCF-style: chr17-31349141-C-T. GRCh37 (hg19) VCF-style: chr17-29676159-C-T.
Other names: c.7148C>T, p.Ala2383Val (NM_000267.4); short protein forms A2383V, A2404V.
Identifiers: ClinVar variation 457826 (VCV000457826.18), dbSNP rs771706364, ClinGen allele CA289400881.